The following is an entry in ClinVar:

ClinVar aggregate classification (germline): Pathogenic (1 of 4 stars; one submission).

Conditions:
Hermansky-Pudlak syndrome 3 (HPS3). Identifiers: Orphanet 231512, Orphanet 79430, MedGen C3888001, MONDO:0013555, OMIM 614072.

Submission:

Myriad Genetics, Inc.
Classification: Pathogenic for Hermansky-Pudlak syndrome 3. Last evaluated: 2024-05-14. Review status: criteria provided, single submitter. Criteria: Myriad Autosomal Dominant, Autosomal Recessive and X-Linked Classification Criteria (2023). Collection method: clinical testing. Allele origin: unknown.
Comment: NM_032383.3(HPS3):c.585_586ins16(G196Mfs*26) is expected to be pathogenic in the context of Hermansky-Pudlak syndrome, HPS3-related. This variant is predicted to lead to an abnormal or absent protein product due to the creation of a premature termination codon in HPS3, a gene where loss-of-function variants are known to be pathogenic. Please note: this variant was assessed in the context of healthy population screening.

NM_032383.5(HPS3):c.585_586insATGTGTATAAGAGACA (p.Gly196fs)

Gene: HPS3 (HPS3 biogenesis of lysosomal organelles complex 2 subunit 1; plus strand). Cytogenetic location: 3q24.
Variant type: Insertion.
Coding change: c.585_586insATGTGTATAAGAGACA on transcript NM_032383.5 (MANE Select); coding-DNA positions 585 to 586, ATGTGTATAAGAGACA inserted.
Protein change: p.Gly196fs; shifts the reading frame from glycine 196.
Molecular consequence: frameshift variant. On other transcripts: intron variant (1).
Genome position: GRCh38 VCF-style: chr3-149140371-T-TATGTGTATAAGAGACA. GRCh37 (hg19) VCF-style: chr3-148858158-T-TATGTGTATAAGAGACA.
Other names: c.218-646_218-645insATGTGTATAAGAGACA (NM_001308258.2); short protein forms G196fs.
Identifiers: ClinVar variation 5010524 (VCV005010524.1).